The following is an entry in ClinVar:

NM_000751.3(CHRND):c.1535A>G (p.Gln512Arg)

Gene: CHRND (cholinergic receptor nicotinic delta subunit; plus strand). Cytogenetic location: 2q37.1.
Variant type: single nucleotide variant.
Coding change: c.1535A>G on transcript NM_000751.3 (MANE Select); coding-DNA position 1535, A replaced by G.
Protein change: p.Gln512Arg; replaces glutamine 512 with arginine.
Molecular consequence: missense variant.
Genome position (GRCh38, 1-based): chr2:232,535,293, A>G. VCF-style: chr2-232535293-A-G. GRCh37 (hg19) VCF-style: chr2-233400003-A-G.
Other names: c.1490A>G, p.Gln497Arg (NM_001256657.2); c.953A>G, p.Gln318Arg (NM_001311195.2); c.1232A>G, p.Gln411Arg (NM_001311196.2); short protein forms Q497R, Q512R, Q411R, Q318R.
Identifiers: ClinVar variation 1383961 (VCV001383961.6), dbSNP rs2106215821, ClinGen allele CA351006231.

ClinVar aggregate classification (germline): Uncertain significance (1 of 4 stars; one submission).

Conditions:
Lethal multiple pterygium syndrome (LMPS). Identifiers: Orphanet 33108, MedGen C1854678, MONDO:0009668, OMIM 253290.

Submission:

Labcorp Genetics (formerly Invitae), Labcorp
Classification: Uncertain significance for Lethal multiple pterygium syndrome. Last evaluated: 2022-06-27. Review status: criteria provided, single submitter. Criteria: Invitae Variant Classification Sherloc (09022015). Collection method: clinical testing. Allele origin: germline.
Comment: In summary, the available evidence is currently insufficient to determine the role of this variant in disease. Therefore, it has been classified as a Variant of Uncertain Significance. This sequence change replaces glutamine, which is neutral and polar, with arginine, which is basic and polar, at codon 512 of the CHRND protein (p.Gln512Arg). Advanced modeling of protein sequence and biophysical properties (such as structural, functional, and spatial information, amino acid conservation, physicochemical variation, residue mobility, and thermodynamic stability) performed at Invitae indicates that this missense variant is not expected to disrupt CHRND protein function. This variant is not present in population databases (gnomAD no frequency). This variant has not been reported in the literature in individuals affected with CHRND-related conditions.